The following is an entry in ClinVar:

ClinVar aggregate classification (germline): Uncertain significance (1 of 4 stars; one submission).

Conditions:
Inborn genetic diseases. Identifiers: MedGen C0950123, MeSH D030342.

Submission:

Ambry Genetics
Classification: Uncertain significance for Inborn genetic diseases. Last evaluated: 2024-04-23. Review status: criteria provided, single submitter. Criteria: Ambry Variant Classification Scheme 2023. Collection method: clinical testing. Allele origin: germline.
Comment: The p.F846L variant (also known as c.2538T>G), located in coding exon 12 of the ATR gene, results from a T to G substitution at nucleotide position 2538. The phenylalanine at codon 846 is replaced by leucine, an amino acid with highly similar properties. This amino acid position is conserved. In addition, this alteration is predicted to be tolerated by in silico analysis. Since supporting evidence is limited at this time, the clinical significance of this alteration remains unclear.

NM_001184.4(ATR):c.2538T>G (p.Phe846Leu)

Gene: ATR (ATR checkpoint kinase; minus strand). Cytogenetic location: 3q23.
Variant type: single nucleotide variant.
Coding change: c.2538T>G on transcript NM_001184.4 (MANE Select); coding-DNA position 2538, T replaced by G.
Protein change: p.Phe846Leu; replaces phenylalanine 846 with leucine.
Molecular consequence: missense variant.
Genome position (GRCh38, 1-based): chr3:142,553,735, A>C on the plus strand (T>G on the coding strand, the complement: ATR is on the minus strand). VCF-style: chr3-142553735-A-C. GRCh37 (hg19) VCF-style: chr3-142272577-A-C.
Other names: c.2346T>G, p.Phe782Leu (NM_001354579.2); short protein forms F782L, F846L.
Identifiers: ClinVar variation 1792785 (VCV001792785.3), dbSNP rs2473384328, ClinGen allele CA354815872.